The following is an entry in ClinVar:

ClinVar aggregate classification (germline): Uncertain significance. Review status: criteria provided, multiple submitters, no conflicts (2 of 4 stars). 2 submissions from 2 submitters: Uncertain significance (2). Last evaluated 2024-03-21.

Conditions:
Bardet-Biedl syndrome 3 (BBS3). Identifiers: Orphanet 110, MedGen C1859564, MONDO:0010832, OMIM 600151.
Retinitis pigmentosa 55 (RP55). Identifiers: Orphanet 791, MedGen C3150808, MONDO:0013312, OMIM 613575.

Submissions (2):

Blueprint Genetics
Classification: Uncertain significance. Last evaluated: 2024-03-21. Review status: criteria provided, single submitter. Criteria: ACMG Guidelines, 2015. Collection method: clinical testing. Allele origin: germline.

Labcorp Genetics (formerly Invitae), Labcorp
Classification: Uncertain significance for Retinitis pigmentosa 55; Bardet-Biedl syndrome 3. Last evaluated: 2022-11-22. Review status: criteria provided, single submitter. Criteria: Invitae Variant Classification Sherloc (09022015). Collection method: clinical testing. Allele origin: germline.
Comment: In summary, the available evidence is currently insufficient to determine the role of this variant in disease. Therefore, it has been classified as a Variant of Uncertain Significance. Variants that disrupt the consensus splice site are a relatively common cause of aberrant splicing (PMID: 17576681, 9536098). Algorithms developed to predict the effect of sequence changes on RNA splicing suggest that this variant may disrupt the consensus splice site. ClinVar contains an entry for this variant (Variation ID: 1369211). This variant has not been reported in the literature in individuals affected with ARL6-related conditions. This variant is not present in population databases (gnomAD no frequency). This sequence change falls in intron 7 of the ARL6 gene. It does not directly change the encoded amino acid sequence of the ARL6 protein. It affects a nucleotide within the consensus splice site.

Literature cited by the submitters: PubMed 17576681 (cited by Labcorp Genetics (formerly Invitae), Labcorp); PubMed 9536098 (cited by Labcorp Genetics (formerly Invitae), Labcorp).

NM_001278293.3(ARL6):c.480-3C>G

Gene: ARL6 (ARF like GTPase 6; plus strand). Cytogenetic location: 3q11.2.
Variant type: single nucleotide variant.
Coding change: c.480-3C>G on transcript NM_001278293.3 (MANE Select); 3 bases into the intron before coding-DNA position 480, C replaced by G.
Molecular consequence: intron variant. On other transcripts: non-coding transcript variant (2).
Genome position (GRCh38, 1-based): chr3:97,791,768, C>G. VCF-style: chr3-97791768-C-G. GRCh37 (hg19) VCF-style: chr3-97510612-C-G.
Other names: c.480-3C>G (NM_032146.5, NM_177976.3, NM_001323513.2); c.479+3649C>G (NM_001323514.2).
Identifiers: ClinVar variation 1369211 (VCV001369211.7), dbSNP rs2108084021, ClinGen allele CA2573137482.
Genomic context (GRCh38, chr3:97,791,768, plus strand): 5'-CCTTTATTCTTATAGTTTTGTGATGTAATGAGATGGCTATGTTTCTTATGGATTTCATTT[C>G]AGTGCTAGTGATGCCATAAAAGGAGAAGGCTTGCAAGAAGGTGTAGACTGGCTTCAAGGT-3'